The following is an entry in ClinVar:

ClinVar aggregate classification (germline): Uncertain significance (1 of 4 stars; one submission).

Conditions:
Developmental and epileptic encephalopathy, 25 (DEE25). Also called: Developmental and epileptic encephalopathy 25, with amelogenesis imperfecta; Epileptic encephalopathy, early infantile, 25, with amelogenesis imperfecta; Epileptic encephalopathy, early infantile, 25. Identifiers: Orphanet 442835, MedGen C4014621, MONDO:0014392, OMIM 615905.

Submission:

Labcorp Genetics (formerly Invitae), Labcorp
Classification: Uncertain significance for Developmental and epileptic encephalopathy, 25. Last evaluated: 2019-09-01. Review status: criteria provided, single submitter. Criteria: Invitae Variant Classification Sherloc (09022015). Collection method: clinical testing. Allele origin: germline.
Comment: Algorithms developed to predict the effect of missense changes on protein structure and function are either unavailable or do not agree on the potential impact of this missense change (SIFT: "Deleterious"; PolyPhen-2: "Benign"; Align-GVGD: "Class C45"). This variant has not been reported in the literature in individuals with SLC13A5-related conditions. This variant is not present in population databases (ExAC no frequency). This sequence change replaces methionine with threonine at codon 208 of the SLC13A5 protein (p.Met208Thr). The methionine residue is moderately conserved and there is a moderate physicochemical difference between methionine and threonine. In summary, the available evidence is currently insufficient to determine the role of this variant in disease. Therefore, it has been classified as a Variant of Uncertain Significance.

NM_177550.5(SLC13A5):c.623T>C (p.Met208Thr)

Gene: SLC13A5 (solute carrier family 13 member 5; minus strand). Cytogenetic location: 17p13.1.
Variant type: single nucleotide variant.
Coding change: c.623T>C on transcript NM_177550.5 (MANE Select); coding-DNA position 623, T replaced by C.
Protein change: p.Met208Thr; replaces methionine 208 with threonine.
Molecular consequence: missense variant.
Genome position (GRCh38, 1-based): chr17:6,703,063, A>G on the plus strand (T>C on the coding strand, the complement: SLC13A5 is on the minus strand). VCF-style: chr17-6703063-A-G. GRCh37 (hg19) VCF-style: chr17-6606382-A-G.
Other names: c.623T>C, p.Met208Thr (NM_001143838.3); c.572T>C, p.Met191Thr (NM_001284509.2); c.494T>C, p.Met165Thr (NM_001284510.2); short protein forms M165T, M191T, M208T.
Identifiers: ClinVar variation 963986 (VCV000963986.10), dbSNP rs1973759255, ClinGen allele CA397749190.